The following is an entry in ClinVar:

ClinVar aggregate classification (germline): Pathogenic/Likely pathogenic. Review status: criteria provided, multiple submitters, no conflicts (2 of 4 stars). 4 submissions from 4 submitters: Pathogenic (2); Likely pathogenic (2). Last evaluated 2026-06-01.

Conditions:
Hematuria, benign familial, 1 (BFH1). Also called: THIN MEMBRANE NEPHROPATHY. Identifiers: MedGen CN376803, MONDO:0007709, OMIM 141200.
Autosomal recessive Alport syndrome (ATS2). Also called: ALPORT SYNDROME 2, AUTOSOMAL RECESSIVE; COL4A4 Alport Syndrome and Thin Basement Membrane Nephropathy; Alport syndrome type 2; COL4A3-Related Nephropathy. Identifiers: Orphanet 63, Orphanet 88919, MedGen C4746745, MONDO:0008762, OMIM 203780.
Alport syndrome. Also called: Hemorrhagic familial nephritis; Hemorrhagic hereditary nephritis; Congenital hereditary hematuria. Identifiers: Orphanet 63, MedGen C1567741, MONDO:0018965.
Benign familial hematuria. Also called: thin basement membrane disease. Identifiers: MedGen C0241908, MONDO:0957317.

Allele frequency attached by ClinVar (database versions not stated): gnomAD exomes below 0.00001.
gnomAD v4.1: 2 of 1,613,704 alleles (0.00012%); highest among the groups gnomAD compares: Non-Finnish European, 0.000085%; no homozygotes.

Submissions (4):

Centre de Génétique Humaine, Institut de Pathologie Et de Génétique
Classification: Pathogenic for Hematuria, benign familial, 1. Last evaluated: 2026-06-01. Review status: criteria provided, single submitter. Criteria: ACMG Guidelines, 2015. Collection method: clinical testing. Allele origin: maternal, germline. Inheritance: Autosomal dominant inheritance. Affected: yes. Observed: 2 variant alleles, 2 heterozygotes. Clinical features observed: Microscopic hematuria (HP:0002907). Segregation with disease observed.
Comment: Variant located in the canonical donor splice site of intron 28 (PVS1). This variant is rare: allelic frequency of 0.00012% in gnomAD v4.1.0 database (PM2). Another variant affecting the same nucleotide described c.2383+1G>T (PMID: 22887978; PMID: 39843441). Analysis of the transcript performed in our laboratory confirmed the skipping of exon 28, resulting in a inframe deletion of 72 residues in collagenous region (PS3). Described as LP/P in ClinVar in patients with FBH and AR AS (PP5)

Natera, Inc.
Classification: Likely pathogenic for Alport syndrome. Last evaluated: 2024-06-04. Review status: criteria provided, single submitter. Criteria: Natera Variant Classification Schema (03/2026). Collection method: clinical testing. Allele origin: germline.
Comment: The c.2383+1G>A variant in COL4A4 is a canonical splice donor site variant predicted to affect pre-mRNA splicing, which may result in an abnormal transcript and altered protein product. This variant is expected to result in nonsense mediated decay, truncation, or a dysfunctional protein product. This variant is rare in the general population with a frequency below the threshold expected for the associated phenotype(s). Given the available evidence, this variant is classified as Likely Pathogenic.

Fulgent Genetics
Classification: Pathogenic for Hematuria, benign familial, 1; Autosomal recessive Alport syndrome. Last evaluated: 2024-01-29. Review status: criteria provided, single submitter. Criteria: ACMG Guidelines, 2015. Collection method: clinical testing. Allele origin: germline.

Institute of Human Genetics Munich, TUM University Hospital
Classification: Likely pathogenic for Hematuria, benign familial, 1. Last evaluated: 2022-05-03. Review status: criteria provided, single submitter. Criteria: Classification criteria August 2017. Collection method: clinical testing. Allele origin: germline. Inheritance: Autosomal dominant inheritance. Affected: yes. Observed: 1 variant allele.

NM_000092.5(COL4A4):c.2383+1G>A

Gene: COL4A4 (collagen type IV alpha 4 chain; minus strand). Cytogenetic location: 2q36.3.
Variant type: single nucleotide variant.
Coding change: c.2383+1G>A on transcript NM_000092.5 (MANE Select); the canonical splice donor site of the intron after coding-DNA position 2383, G replaced by A.
Molecular consequence: splice donor variant.
Genome position (GRCh38, 1-based): chr2:227,059,404, C>T on the plus strand (G>A on the coding strand, the complement: COL4A4 is on the minus strand). VCF-style: chr2-227059404-C-T. GRCh37 (hg19) VCF-style: chr2-227924120-C-T.
Other names: c.2383+1G>A (NM_000092.4).
Identifiers: ClinVar variation 1804099 (VCV001804099.4), dbSNP rs2474215752, ClinGen allele CA350841800.
Genomic context (GRCh38, chr2:227,059,404, plus strand): 5'-AGTGACCTGTTCCAAAACTGAGCCAGCTCTATGCACCAAAAGGACAGCAAAGCCCTCATA[C>T]CTTCAGCCCCTGGACATCCCGGATCACCTCTGGGTCCTTTTATCCCTGGCACTCCTGAAA-3'